The following is an entry in ClinVar:

ClinVar aggregate classification (germline): Benign. Review status: criteria provided, multiple submitters, no conflicts (2 of 4 stars). 2 submissions from 2 submitters: Benign (2). Last evaluated 2018-01-13.

Conditions:
Sitosterolemia 1. Identifiers: MedGen C2749759, MONDO:0020747, OMIM 210250.

Allele frequency attached by ClinVar (database versions not stated): gnomAD 0.18100 and 0.17974; gnomAD exomes 0.14706; 1000 Genomes Project 30x 0.17052; TOPMed 0.17759; 1000 Genomes Project 0.16234.
gnomAD v4.1: 29,821 of 169,228 alleles (18%); highest among the groups gnomAD compares: Middle Eastern, 30%; 2,858 homozygotes.

Submissions (2):

Illumina Laboratory Services, Illumina
Classification: Benign for Sitosterolemia 1. Last evaluated: 2018-01-13. Review status: criteria provided, single submitter. Criteria: ICSL Variant Classification Criteria 13 December 2019. Collection method: clinical testing. Allele origin: germline.
Comment: This variant was observed in the ICSL laboratory as part of a predisposition screen in an ostensibly healthy population. It had not been previously curated by ICSL or reported in the Human Gene Mutation Database (HGMD: prior to June 1st, 2018), and was therefore a candidate for classification through an automated scoring system. Utilizing variant allele frequency, disease prevalence and penetrance estimates, and inheritance mode, an automated score was calculated to assess if this variant is too frequent to cause the disease. Based on the score and internal cut-off values, a variant classified as benign is not then subjected to further curation. The score for this variant resulted in a classification of benign for this disease.

Breakthrough Genomics
Classification: Benign. Review status: criteria provided, single submitter. Criteria: ACMG Guidelines, 2015. Collection method: not provided. Allele origin: germline. Inheritance: Autosomal recessive inheritance. Affected: yes.

NM_022436.3(ABCG5):c.*522G>A

Genes: DYNC2LI1 (dynein cytoplasmic 2 light intermediate chain 1; plus strand), ABCG5 (ATP binding cassette subfamily G member 5; minus strand). Cytogenetic location: 2p21.
Variant type: single nucleotide variant.
Coding change: c.*522G>A on transcript NM_022436.3 (MANE Select); 522 bases downstream of the stop codon, G replaced by A.
Molecular consequence: 3 prime UTR variant. On other transcripts: intron variant (2).
Genome position (GRCh38, 1-based): chr2:43,812,594, C>T on the plus strand (G>A on the coding strand, the complement: ABCG5 is on the minus strand). VCF-style: chr2-43812594-C-T. GRCh37 (hg19) VCF-style: chr2-44039733-C-T.
Other names: c.*15+2070C>T (NM_001348913.2, NM_001348912.2).
Identifiers: ClinVar variation 336027 (VCV000336027.8), dbSNP rs77105521, ClinGen allele CA10613348.